The following is an entry in ClinVar:

NM_001129.5(AEBP1):c.2346G>A (p.Glu782=)

Gene: AEBP1 (AE binding protein 1; plus strand). Cytogenetic location: 7p13.
Variant type: single nucleotide variant.
Coding change: c.2346G>A on transcript NM_001129.5 (MANE Select); coding-DNA position 2346, G replaced by A.
Protein change: p.Glu782=; no amino-acid change (glutamic acid 782 retained).
Molecular consequence: synonymous variant.
Genome position (GRCh38, 1-based): chr7:44,112,686, G>A. VCF-style: chr7-44112686-G-A. GRCh37 (hg19) VCF-style: chr7-44152285-G-A.
Other names: p.Glu782=.
Identifiers: ClinVar variation 2168748 (VCV002168748.24), dbSNP rs763077790, ClinGen allele CA4238185.
Genomic context (GRCh38, chr7:44,112,686, plus strand): 5'-GAACGGCGGCGAGCGGCTAGTATCCTACCCCTACGATATGGCCCGCACGCCTACCCAGGA[G>A]CAGCTGCTGGCCGCAGCCATGGCAGCAGCCCGGGGGGAGGATGAGGACGAGGTCTCCGAG-3'
Protein context (NP_001120.3, residues 772-792): PYDMARTPTQ[Glu782=]QLLAAAMAAA

ClinVar aggregate classification (germline): Conflicting classifications of pathogenicity. Review status: criteria provided, conflicting classifications (1 of 4 stars). 4 submissions from 4 submitters: Uncertain significance (1); Likely benign (3). Last evaluated 2026-04-15.

Allele frequency attached by ClinVar (database versions not stated): ExAC 0.00006; gnomAD 0.00007; TOPMed 0.00010; gnomAD exomes 0.00020.
gnomAD v4.1: 292 of 1,613,118 alleles (0.018%); highest among the groups gnomAD compares: Admixed American, 0.025%; no homozygotes.

Submissions (4):

Women's Health and Genetics/Laboratory Corporation of America, LabCorp
Classification: Likely benign. Last evaluated: 2026-04-15. Review status: criteria provided, single submitter. Criteria: LabCorp Variant Classification Summary - May 2015. Collection method: clinical testing. Allele origin: germline.

Mayo Clinic Laboratories, Mayo Clinic
Classification: Likely benign. Last evaluated: 2025-12-10. Review status: criteria provided, single submitter. Criteria: ACMG Guidelines, 2015. Collection method: clinical testing. Allele origin: germline. Observed: 1 variant allele.
Comment: BP4, BP7

Labcorp Genetics (formerly Invitae), Labcorp
Classification: Likely benign. Last evaluated: 2025-10-03. Review status: criteria provided, single submitter. Criteria: Invitae Variant Classification Sherloc (09022015). Collection method: clinical testing. Allele origin: germline.

CeGaT Center for Human Genetics Tuebingen
Classification: Uncertain significance. Last evaluated: 2024-06-01. Review status: criteria provided, single submitter. Criteria: CeGaT Center For Human Genetics Tuebingen Variant Classification Criteria Version 2. Collection method: clinical testing. Allele origin: germline. Affected: yes. Observed: 1 variant allele.
Comment: AEBP1: PM2:Supporting, BP4